The following is an entry in ClinVar:

NM_002691.4(POLD1):c.264C>G (p.Asp88Glu)

Gene: POLD1 (DNA polymerase delta 1, catalytic subunit; plus strand). Cytogenetic location: 19q13.33.
Variant type: single nucleotide variant.
Coding change: c.264C>G on transcript NM_002691.4 (MANE Select); coding-DNA position 264, C replaced by G.
Protein change: p.Asp88Glu; replaces aspartic acid 88 with glutamic acid.
Molecular consequence: missense variant. On other transcripts: non-coding transcript variant (1).
Genome position (GRCh38, 1-based): chr19:50,399,432, C>G. VCF-style: chr19-50399432-C-G. GRCh37 (hg19) VCF-style: chr19-50902689-C-G.
Other names: c.264C>G, p.Asp88Glu (NM_001256849.1, NM_001308632.1); c.264C>G (NM_002691.2); short protein forms D88E.
Identifiers: ClinVar variation 2720954 (VCV002720954.4), dbSNP rs2122202765, ClinGen allele CA406970515.
Genomic context (GRCh38, chr19:50,399,432, plus strand): 5'-GCAGGTCCCACCATCAGCCATAGATCCTCGCTGGCTTCGGCCCACACCACCAGCGCTGGA[C>G]CCCCAGACAGAGCCCCTCATCTTCCAACAGTTGGAGATTGACCATTATGTGGGTGAGTTT-3'
Protein context (NP_002682.2, residues 78-98): RWLRPTPPAL[Asp88Glu]PQTEPLIFQQ

ClinVar aggregate classification (germline): Uncertain significance. Review status: criteria provided, multiple submitters, no conflicts (2 of 4 stars). 2 submissions from 2 submitters: Uncertain significance (2). Last evaluated 2024-03-12.

Conditions:
POLD1-related polyposis and colorectal cancer syndrome (CRCS10). Also called: Colorectal cancer 10; Colorectal cancer, susceptibility to, 10; COLORECTAL CANCER, SUSCEPTIBILITY TO, ON CHROMOSOME 19q. Identifiers: Orphanet 220460, MedGen C2675481, MONDO:0012953, OMIM 612591.
Hereditary cancer-predisposing syndrome. Also called: Tumor predisposition; Hereditary Cancer Syndrome; Hereditary neoplastic syndrome; Neoplastic Syndromes, Hereditary. Identifiers: Orphanet 140162, MedGen C0027672, MeSH D009386, MONDO:0015356.

Allele frequency attached by ClinVar (database versions not stated): gnomAD exomes below 0.00001.
gnomAD v4.1: 1 of 1,614,118 alleles (0.000062%); highest among the groups gnomAD compares: Non-Finnish European, 0.000085%; no homozygotes.

Submissions (2):

Ambry Genetics
Classification: Uncertain significance for Hereditary cancer-predisposing syndrome. Last evaluated: 2024-03-12. Review status: criteria provided, single submitter. Criteria: Ambry Variant Classification Scheme 2023. Collection method: clinical testing. Allele origin: germline.
Comment: The p.D88E variant (also known as c.264C>G), located in coding exon 2 of the POLD1 gene, results from a C to G substitution at nucleotide position 264. The aspartic acid at codon 88 is replaced by glutamic acid, an amino acid with highly similar properties. This amino acid position is conserved. In addition, this alteration is predicted to be tolerated by in silico analysis. Based on the available evidence, the clinical significance of this alteration remains unclear.

Labcorp Genetics (formerly Invitae), Labcorp
Classification: Uncertain significance for POLD1-related polyposis and colorectal cancer syndrome. Last evaluated: 2023-05-21. Review status: criteria provided, single submitter. Criteria: Invitae Variant Classification Sherloc (09022015). Collection method: clinical testing. Allele origin: germline.
Comment: This variant is not present in population databases (gnomAD no frequency). This sequence change replaces aspartic acid, which is acidic and polar, with glutamic acid, which is acidic and polar, at codon 88 of the POLD1 protein (p.Asp88Glu). This variant has not been reported in the literature in individuals affected with POLD1-related conditions. In summary, the available evidence is currently insufficient to determine the role of this variant in disease. Therefore, it has been classified as a Variant of Uncertain Significance. Advanced modeling of protein sequence and biophysical properties (such as structural, functional, and spatial information, amino acid conservation, physicochemical variation, residue mobility, and thermodynamic stability) performed at Invitae indicates that this missense variant is not expected to disrupt POLD1 protein function.